The following is an entry in ClinVar:

ClinVar aggregate classification (germline): Uncertain significance. Review status: criteria provided, multiple submitters, no conflicts (2 of 4 stars). 5 submissions from 5 submitters: Uncertain significance (4). 1 of the submissions does not count toward it. Last evaluated 2025-08-15.

Conditions:
Polyglandular autoimmune syndrome, type 1 (APS1). Also called: Autoimmune polyendocrinopathy syndrome, type I; Autoimmune polyendocrinopathy syndrome , type I, with or without reversible metaphyseal dysplasia; HYPOADRENOCORTICISM WITH HYPOPARATHYROIDISM AND SUPERFICIAL MONILIASIS; Autoimmune polyendocrine syndrome type 1; PGA I; APS I. Identifiers: Orphanet 3453, MedGen C0085859, MONDO:0009411, OMIM 240300.

Allele frequency attached by ClinVar (database versions not stated): ExAC below 0.00001; gnomAD 0.00014 and 0.00015; TOPMed 0.00019.

Submissions (5):

GeneDx
Classification: Uncertain significance. Last evaluated: 2025-08-15. Review status: criteria provided, single submitter. Criteria: GeneDx Variant Classification Process June 2021. Collection method: clinical testing. Allele origin: germline. Affected: yes.
Comment: In silico analysis supports that this missense variant has a deleterious effect on protein structure/function; Has not been previously published as pathogenic or benign to our knowledge; In silico analysis is inconclusive as to whether the variant alters gene splicing. In the absence of RNA/functional studies, the actual effect of this sequence change is unknown.

Labcorp Genetics (formerly Invitae), Labcorp
Classification: Uncertain significance for Polyglandular autoimmune syndrome, type 1. Last evaluated: 2024-11-18. Review status: criteria provided, single submitter. Criteria: Invitae Variant Classification Sherloc (09022015). Collection method: clinical testing. Allele origin: germline.
Comment: This sequence change replaces glycine, which is neutral and non-polar, with arginine, which is basic and polar, at codon 180 of the AIRE protein (p.Gly180Arg). This variant is present in population databases (rs200899780, gnomAD 0.03%), including at least one homozygous and/or hemizygous individual. This variant has not been reported in the literature in individuals affected with AIRE-related conditions. ClinVar contains an entry for this variant (Variation ID: 567597). Invitae Evidence Modeling of protein sequence and biophysical properties (such as structural, functional, and spatial information, amino acid conservation, physicochemical variation, residue mobility, and thermodynamic stability) indicates that this missense variant is expected to disrupt AIRE protein function with a positive predictive value of 95%. Algorithms developed to predict the effect of sequence changes on RNA splicing suggest that this variant may disrupt the consensus splice site. In summary, the available evidence is currently insufficient to determine the role of this variant in disease. Therefore, it has been classified as a Variant of Uncertain Significance.

Blueprint Genetics
Classification: Uncertain significance. Last evaluated: 2024-10-09. Review status: criteria provided, single submitter. Criteria: ACMG Guidelines, 2015. Collection method: clinical testing. Allele origin: germline.

Fulgent Genetics
Classification: Uncertain significance for Polyglandular autoimmune syndrome, type 1. Last evaluated: 2022-05-05. Review status: criteria provided, single submitter. Criteria: ACMG Guidelines, 2015. Collection method: clinical testing. Allele origin: unknown.

Natera, Inc.
Classification: Uncertain significance for Polyglandular autoimmune syndrome type 1. Last evaluated: 2020-04-20. Review status: no assertion criteria provided. Collection method: clinical testing. Allele origin: germline. Not counted in ClinVar's aggregate classification.

NM_000383.4(AIRE):c.538G>A (p.Gly180Arg)

Gene: AIRE (autoimmune regulator; plus strand). Cytogenetic location: 21q22.3.
Variant type: single nucleotide variant.
Coding change: c.538G>A on transcript NM_000383.4 (MANE Select); coding-DNA position 538, G replaced by A.
Protein change: p.Gly180Arg; replaces glycine 180 with arginine.
Molecular consequence: missense variant.
Genome position (GRCh38, 1-based): chr21:44,287,591, G>A. VCF-style: chr21-44287591-G-A. GRCh37 (hg19) VCF-style: chr21-45707474-G-A.
Other names: c.538G>A (NM_000383.2); short protein forms G180R.
Identifiers: ClinVar variation 567597 (VCV000567597.8), dbSNP rs200899780, ClinGen allele CA10051597.